The following is an entry in ClinVar:

ClinVar aggregate classification (germline): Uncertain significance (1 of 4 stars; one submission).

Conditions:
Hypertrophic cardiomyopathy. Also called: HYPERTROPHIC MYOCARDIOPATHY. Identifiers: Orphanet 217569, MedGen C0007194, MeSH D002312, MONDO:0005045, HP:0001639.

Submission:

Labcorp Genetics (formerly Invitae), Labcorp
Classification: Uncertain significance for Hypertrophic cardiomyopathy. Last evaluated: 2022-07-19. Review status: criteria provided, single submitter. Criteria: Invitae Variant Classification Sherloc (09022015). Collection method: clinical testing. Allele origin: germline.
Comment: In summary, the available evidence is currently insufficient to determine the role of this variant in disease. Therefore, it has been classified as a Variant of Uncertain Significance. Experimental studies and prediction algorithms are not available or were not evaluated, and the functional significance of this variant is currently unknown. This variant has not been reported in the literature in individuals affected with MYH7-related conditions. This variant is a gross deletion of the genomic region encompassing exon(s) 35-40 of the MYH7 gene, which includes the termination codon. This deletion extends beyond the assayed region for this gene and therefore may encompass additional genes. While this deletion is not anticipated to lead to nonsense mediated decay, it is expected to alter mRNA translation or result in a truncated protein product.

NC_000014.8:g.(?_23855504)_(23885061_?)del

Genes: MIR208A (microRNA 208a; minus strand), MYH6 (myosin heavy chain 6; minus strand), MYH7 (myosin heavy chain 7; minus strand). Cytogenetic location: 14q11.2.
Variant type: Deletion.
Identifiers: ClinVar variation 1524291 (VCV001524291.5).